The following is an entry in ClinVar:

NM_000891.3(KCNJ2):c.17C>T (p.Thr6Ile)

Gene: KCNJ2 (potassium inwardly rectifying channel subfamily J member 2; plus strand). Cytogenetic location: 17q24.3.
Variant type: single nucleotide variant.
Coding change: c.17C>T on transcript NM_000891.3 (MANE Select); coding-DNA position 17, C replaced by T.
Protein change: p.Thr6Ile; replaces threonine 6 with isoleucine.
Molecular consequence: missense variant.
Genome position (GRCh38, 1-based): chr17:70,175,056, C>T. VCF-style: chr17-70175056-C-T. GRCh37 (hg19) VCF-style: chr17-68171197-C-T.
Other names: short protein forms T6I.
Identifiers: ClinVar variation 1698177 (VCV001698177.2), dbSNP rs754091630, ClinGen allele CA8738679.

ClinVar aggregate classification (germline): Uncertain significance (1 of 4 stars; one submission).

Allele frequency attached by ClinVar (database versions not stated): gnomAD exomes below 0.00001; ExAC 0.00001.
gnomAD v4.1: 1 of 1,614,118 alleles (0.000062%); highest among the groups gnomAD compares: Admixed American, 0.0017%; no homozygotes.

Submission:

GeneDx
Classification: Uncertain significance. Last evaluated: 2022-01-21. Review status: criteria provided, single submitter. Criteria: GeneDx Variant Classification Process June 2021. Collection method: clinical testing. Allele origin: germline. Affected: yes.
Comment: Not observed at significant frequency in large population cohorts (gnomAD); In silico analysis supports that this missense variant does not alter protein structure/function; Has not been previously published as pathogenic or benign to our knowledge